The following is an entry in ClinVar:

NM_022725.4(FANCF):c.667G>T (p.Glu223Ter)

Gene: FANCF (FA complementation group F; minus strand). Cytogenetic location: 11p14.3.
Variant type: single nucleotide variant.
Coding change: c.667G>T on transcript NM_022725.4 (MANE Select); coding-DNA position 667, G replaced by T.
Protein change: p.Glu223Ter; replaces glutamic acid 223 with a stop codon.
Molecular consequence: nonsense.
Genome position (GRCh38, 1-based): chr11:22,625,144, C>A on the plus strand (G>T on the coding strand, the complement: FANCF is on the minus strand). VCF-style: chr11-22625144-C-A. GRCh37 (hg19) VCF-style: chr11-22646690-C-A.
Other names: short protein forms E223*.
Identifiers: ClinVar variation 2894603 (VCV002894603.4), dbSNP rs1473308846, ClinGen allele CA380058574.

ClinVar aggregate classification (germline): Pathogenic/Likely pathogenic. Review status: criteria provided, multiple submitters, no conflicts (2 of 4 stars). 2 submissions from 2 submitters: Pathogenic (1); Likely pathogenic (1). Last evaluated 2023-02-08.

Conditions:
Fanconi anemia (FA). Also called: Fanconi's anemia. Identifiers: Orphanet 84, MedGen C0015625, MeSH D005199, MONDO:0019391.
FANCF-related disorder. Also called: FANCF-related condition.

Submissions (2):

Labcorp Genetics (formerly Invitae), Labcorp
Classification: Pathogenic for Fanconi anemia. Last evaluated: 2023-02-08. Review status: criteria provided, single submitter. Criteria: Invitae Variant Classification Sherloc (09022015). Collection method: clinical testing. Allele origin: germline.
Comment: For these reasons, this variant has been classified as Pathogenic. This variant disrupts a region of the FANCF protein in which other variant(s) (p.Gly233Glufs*32) have been determined to be pathogenic (PMID: 11063725, 12649160, 27714961). This suggests that this is a clinically significant region of the protein, and that variants that disrupt it are likely to be disease-causing. This variant has not been reported in the literature in individuals affected with FANCF-related conditions. This variant is present in population databases (no rsID available, gnomAD 0.0009%). This sequence change creates a premature translational stop signal (p.Glu223*) in the FANCF gene. While this is not anticipated to result in nonsense mediated decay, it is expected to disrupt the last 152 amino acid(s) of the FANCF protein.

Blueprint Genetics
Classification: Likely pathogenic for FANCF-related disorders. Last evaluated: 2018-11-29. Review status: criteria provided, single submitter. Criteria: ACMG Guidelines, 2015. Collection method: clinical testing. Allele origin: germline. Affected: yes. Observed: 1 variant allele.

Literature cited by the submitters: PubMed 11063725 (cited by Labcorp Genetics (formerly Invitae), Labcorp); PubMed 12649160 (cited by Labcorp Genetics (formerly Invitae), Labcorp); PubMed 27714961 (cited by Labcorp Genetics (formerly Invitae), Labcorp).